The following is an entry in ClinVar:

NM_000719.7(CACNA1C):c.1441G>A (p.Gly481Arg)

Gene: CACNA1C (calcium voltage-gated channel subunit alpha1 C; plus strand). Cytogenetic location: 12p13.33.
Variant type: single nucleotide variant.
Coding change: c.1441G>A on transcript NM_000719.7 (MANE Select); coding-DNA position 1441, G replaced by A.
Protein change: p.Gly481Arg; replaces glycine 481 with arginine.
Molecular consequence: missense variant.
Genome position (GRCh38, 1-based): chr12:2,549,993, G>A. VCF-style: chr12-2549993-G-A. GRCh37 (hg19) VCF-style: chr12-2659159-G-A.
Other names: c.1441G>A, p.Gly481Arg (NM_001129827.2, NM_001129829.2, NM_001129830.3 and 18 more transcripts); c.1432G>A, p.Gly478Arg (NM_001129844.2); short protein forms G481R, G478R.
Identifiers: ClinVar variation 971371 (VCV000971371.9), dbSNP rs552477608, ClinGen allele CA231604028.

ClinVar aggregate classification (germline): Uncertain significance. Review status: criteria provided, multiple submitters, no conflicts (2 of 4 stars). 2 submissions from 2 submitters: Uncertain significance (2). Last evaluated 2026-01-30.

Conditions:
Long QT syndrome (LQTS). Identifiers: MedGen C0023976, MeSH D008133, MONDO:0002442. Disease mechanism: loss of function. Inheritance: Various modes of inheritance.

Allele frequency attached by ClinVar (database versions not stated): TOPMed below 0.00001; gnomAD 0.00001; gnomAD exomes 0.00001.

Submissions (2):

GeneDx
Classification: Uncertain significance. Last evaluated: 2026-01-30. Review status: criteria provided, single submitter. Criteria: GeneDx Variant Classification Process June 2021. Collection method: clinical testing. Allele origin: germline.
Comment: Not observed at significant frequency in large population cohorts (gnomAD); In silico analysis supports that this missense variant has a deleterious effect on protein structure/function; Has not been previously published as pathogenic or benign to our knowledge

Labcorp Genetics (formerly Invitae), Labcorp
Classification: Uncertain significance for Long QT syndrome. Last evaluated: 2025-04-17. Review status: criteria provided, single submitter. Criteria: Invitae Variant Classification Sherloc (09022015). Collection method: clinical testing. Allele origin: germline.
Comment: This sequence change replaces glycine, which is neutral and non-polar, with arginine, which is basic and polar, at codon 481 of the CACNA1C protein (p.Gly481Arg). The frequency data for this variant in the population databases is considered unreliable, as metrics indicate poor data quality at this position in the gnomAD database. This variant has not been reported in the literature in individuals affected with CACNA1C-related conditions. ClinVar contains an entry for this variant (Variation ID: 971371). Invitae Evidence Modeling of protein sequence and biophysical properties (such as structural, functional, and spatial information, amino acid conservation, physicochemical variation, residue mobility, and thermodynamic stability) has been performed for this missense variant. However, the output from this modeling did not meet the statistical confidence thresholds required to predict the impact of this variant on CACNA1C protein function. In summary, the available evidence is currently insufficient to determine the role of this variant in disease. Therefore, it has been classified as a Variant of Uncertain Significance.